The following is an entry in ClinVar:

NM_207352.4(CYP4V2):c.1318C>T (p.Gln440Ter)

Gene: CYP4V2 (cytochrome P450 family 4 subfamily V member 2; plus strand). Cytogenetic location: 4q35.2.
Variant type: single nucleotide variant.
Coding change: c.1318C>T on transcript NM_207352.4 (MANE Select); coding-DNA position 1318, C replaced by T.
Protein change: p.Gln440Ter; replaces glutamine 440 with a stop codon.
Molecular consequence: nonsense.
Genome position (GRCh38, 1-based): chr4:186,209,185, C>T. VCF-style: chr4-186209185-C-T. GRCh37 (hg19) VCF-style: chr4-187130339-C-T.
Other names: short protein forms Q440*.
Identifiers: ClinVar variation 1401206 (VCV001401206.6), dbSNP rs1736631406, ClinGen allele CA358950538.
Genomic context (GRCh38, chr4:186,209,185, plus strand): 5'-GTCATCATTCCCTATGCATTGCACAGAGATCCGAGATACTTCCCCAACCCCGAGGAGTTC[C>T]AGCCTGAGCGGTTCTTCCCCGAGAATGCACAAGGGCGCCATCCATATGCCTACGTGCCCT-3'

ClinVar aggregate classification (germline): Pathogenic (1 of 4 stars; one submission).

Submission:

Labcorp Genetics (formerly Invitae), Labcorp
Classification: Pathogenic. Last evaluated: 2022-11-01. Review status: criteria provided, single submitter. Criteria: Invitae Variant Classification Sherloc (09022015). Collection method: clinical testing. Allele origin: germline.
Comment: This variant has not been reported in the literature in individuals affected with CYP4V2-related conditions. This variant is not present in population databases (gnomAD no frequency). This sequence change creates a premature translational stop signal (p.Gln440*) in the CYP4V2 gene. It is expected to result in an absent or disrupted protein product. Loss-of-function variants in CYP4V2 are known to be pathogenic (PMID: 15042513, 25118264). ClinVar contains an entry for this variant (Variation ID: 1401206). For these reasons, this variant has been classified as Pathogenic.

Literature cited by the submitters: PubMed 15042513; PubMed 25118264.